The following is an entry in ClinVar:

ClinVar aggregate classification (germline): Likely pathogenic (1 of 4 stars; one submission).

Conditions:
Spermatogenic failure 33. Identifiers: MedGen C4748395, MONDO:0029147, OMIM 618152.

gnomAD v4.1: 1 of 1,614,130 alleles (0.000062%); highest among the groups gnomAD compares: East Asian, 0.0022%; no homozygotes.

Submission:

Juno Genomics, Hangzhou Juno Genomics, Inc
Classification: Likely pathogenic for Spermatogenic failure 33. Review status: criteria provided, single submitter. Criteria: ACMG Guidelines, 2015. Collection method: clinical testing. Allele origin: germline. Affected: yes.
Comment: Absent from controls (or at extremely low frequency if recessive) in Genome Aggregation Database.;Null variant in a gene where loss of function (LOF) is a known mechanism of disease.

NM_144668.6(CFAP251):c.955A>T (p.Lys319Ter)

Gene: CFAP251 (cilia and flagella associated protein 251; plus strand). Cytogenetic location: 12q24.31.
Variant type: single nucleotide variant.
Coding change: c.955A>T on transcript NM_144668.6 (MANE Select); coding-DNA position 955, A replaced by T.
Protein change: p.Lys319Ter; replaces lysine 319 with a stop codon.
Molecular consequence: nonsense.
Genome position (GRCh38, 1-based): chr12:121,934,313, A>T. VCF-style: chr12-121934313-A-T. GRCh37 (hg19) VCF-style: chr12-122372219-A-T.
Other names: c.955A>T, p.Lys319Ter (NM_001178003.2); short protein forms K319*.
Identifiers: ClinVar variation 5018519 (VCV005018519.1).